The following is an entry in ClinVar:

NM_017781.3(CYP2W1):c.669C>T (p.Leu223=)

Genes: CHLSN (cholesin; minus strand), CYP2W1 (cytochrome P450 family 2 subfamily W member 1; plus strand). Cytogenetic location: 7p22.3.
Variant type: single nucleotide variant.
Coding change: c.669C>T on transcript NM_017781.3 (MANE Select); coding-DNA position 669, C replaced by T.
Protein change: p.Leu223=; no amino-acid change (leucine 223 retained).
Molecular consequence: synonymous variant. On other transcripts: intron variant (3).
Genome position (GRCh38, 1-based): chr7:986,647, C>T. VCF-style: chr7-986647-C-T. GRCh37 (hg19) VCF-style: chr7-1026283-C-T.
Other names: c.565-7586G>A (NM_001424326.1, NM_001424325.1); c.178-6594G>A (NM_001424327.1).
Identifiers: ClinVar variation 2657174 (VCV002657174.22), dbSNP rs148926756, ClinGen allele CA4114457.

ClinVar aggregate classification (germline): Likely benign (1 of 4 stars; one submission).

Allele frequency attached by ClinVar (database versions not stated): gnomAD 0.00003; TOPMed 0.00004; ExAC 0.00003; ESP Exome Variant Server 0.00015; 1000 Genomes Project 0.00020; gnomAD exomes 0.00008; 1000 Genomes Project 30x 0.00031.
gnomAD v4.1: 128 of 1,612,724 alleles (0.0079%); highest among the groups gnomAD compares: East Asian, 0.013%; no homozygotes.

Submission:

CeGaT Center for Human Genetics Tuebingen
Classification: Likely benign. Last evaluated: 2022-03-01. Review status: criteria provided, single submitter. Criteria: CeGaT Center For Human Genetics Tuebingen Variant Classification Criteria Version 2. Collection method: clinical testing. Allele origin: germline. Affected: yes. Observed: 1 variant allele.
Comment: CYP2W1: BP4, BP7